The following is an entry in ClinVar:

NM_001276270.2(MBD4):c.1291A>G (p.Lys431Glu)

Gene: MBD4 (methyl-CpG binding domain 4, DNA glycosylase; minus strand). Cytogenetic location: 3q21.3.
Variant type: single nucleotide variant.
Coding change: c.1291A>G on transcript NM_001276270.2 (MANE Select); coding-DNA position 1291, A replaced by G.
Protein change: p.Lys431Glu; replaces lysine 431 with glutamic acid.
Molecular consequence: missense variant.
Genome position (GRCh38, 1-based): chr3:129,433,952, T>C on the plus strand (A>G on the coding strand, the complement: MBD4 is on the minus strand). VCF-style: chr3-129433952-T-C. GRCh37 (hg19) VCF-style: chr3-129152795-T-C.
Other names: c.1309A>G, p.Lys437Glu (NM_001276271.2, NM_001276272.2, NM_003925.3); c.355A>G, p.Lys119Glu (NM_001276273.2); short protein forms K437E, K119E, K431E.
Identifiers: ClinVar variation 3661826 (VCV003661826.2).
Genomic context (GRCh38, chr3:129,433,952, plus strand): 5'-ATGGATCATGAAAAAGTGTTTCTTGAACGAGATTAAAAGGTGACCGAGGAGGTGTCCATT[T>C]CTTAAAGGCTTTACGTCGTGGGGGGCTAAGAGCTAAACAAACATAGTGCATCAGAATTGA-3'
Protein context (NP_001263199.1, residues 421-441): LSPPRRKAFK[Lys431Glu]WTPPRSPFNL

ClinVar aggregate classification (germline): Uncertain significance (1 of 4 stars; one submission).

Submission:

Labcorp Genetics (formerly Invitae), Labcorp
Classification: Uncertain significance. Last evaluated: 2024-08-08. Review status: criteria provided, single submitter. Criteria: Invitae Variant Classification Sherloc (09022015). Collection method: clinical testing. Allele origin: germline.
Comment: This sequence change replaces lysine, which is basic and polar, with glutamic acid, which is acidic and polar, at codon 437 of the MBD4 protein (p.Lys437Glu). This variant is not present in population databases (gnomAD no frequency). This variant has not been reported in the literature in individuals affected with MBD4-related conditions. An algorithm developed to predict the effect of missense changes on protein structure and function (PolyPhen-2) suggests that this variant is likely to be disruptive. In summary, the available evidence is currently insufficient to determine the role of this variant in disease. Therefore, it has been classified as a Variant of Uncertain Significance.